The following is an entry in ClinVar:

ClinVar aggregate classification (germline): Pathogenic (1 of 4 stars; one submission).

Conditions:
Hereditary cancer-predisposing syndrome. Also called: Neoplastic Syndromes, Hereditary; Tumor predisposition; Hereditary Cancer Syndrome; Hereditary neoplastic syndrome. Identifiers: Orphanet 140162, MedGen C0027672, MeSH D009386, MONDO:0015356.

Submission:

Ambry Genetics
Classification: Pathogenic for Hereditary cancer-predisposing syndrome. Last evaluated: 2018-05-07. Review status: criteria provided, single submitter. Criteria: Ambry Variant Classification Scheme 2023. Collection method: clinical testing. Allele origin: germline.
Comment: The c.1071_1072insCA pathogenic mutation, located in coding exon 4 of the MSH6 gene, results from an insertion of two nucleotides at position 1071, causing a translational frameshift with a predicted alternate stop codon (p.D358Qfs*14). This alteration is expected to result in loss of function by premature protein truncation or nonsense-mediated mRNA decay. As such, this alteration is interpreted as a disease-causing mutation.

NM_000179.3(MSH6):c.1071_1072insCA (p.Asp358fs)

Gene: MSH6 (mutS homolog 6; plus strand). Cytogenetic location: 2p16.3.
Variant type: Insertion.
Coding change: c.1071_1072insCA on transcript NM_000179.3 (MANE Select); coding-DNA positions 1071 to 1072, CA inserted.
Protein change: p.Asp358fs; shifts the reading frame from aspartic acid 358.
Molecular consequence: frameshift variant.
Genome position: GRCh38 VCF-style: chr2-47799054-T-TCA. GRCh37 (hg19) VCF-style: chr2-48026193-T-TCA.
Other names: c.165_166insCA, p.Asp56Glnfs (NM_001406811.1, NM_001406812.1, NM_001406814.1 and 4 more transcripts); c.1077_1078insCA, p.Asp360Glnfs (NM_001406813.1); c.1071_1072insCA, p.Asp358Glnfs (NM_001406817.1, NM_001406796.1, NM_001406798.1 and 4 more transcripts); c.774_775insCA, p.Asp259Glnfs (NM_001406818.1, NM_001406819.1, NM_001406820.1 and 10 more transcripts); c.903_904insCA, p.Asp302Glnfs (NM_001406826.1); c.681_682insCA, p.Asp228fs (NM_001281492.2); c.165_166insCA, p.Asp56fs (NM_001281493.2, NM_001281494.2); c.1167_1168insCA, p.Asp390Glnfs (NM_001406795.1, NM_001406802.1); and 2 more; short protein forms D358fs, D56fs, D228fs.
Identifiers: ClinVar variation 1783371 (VCV001783371.2), dbSNP rs2530587541, ClinGen allele CA2580067307.
Genomic context (GRCh38, chr2:47,799,054, plus strand): 5'-GAGAGCTTTCTCTGCCCCTCAAAATTCTGAATCCCAAGCCCACGTTAGTGGAGGTGGTGA[T>TCA]GACAGTAGTCGCCCTACTGTTTGGTATCATGAAACTTTAGAATGGCTTAAGGAGGAAAAG-3'